The following is an entry in ClinVar:

ClinVar aggregate classification (germline): Uncertain significance (1 of 4 stars; one submission).

Conditions:
Pancreatic adenocarcinoma. Identifiers: MedGen C0281361, MONDO:0006047, HP:0006725.

Submission:

Labcorp Genetics (formerly Invitae), Labcorp
Classification: Uncertain significance for Pancreatic adenocarcinoma. Last evaluated: 2024-07-15. Review status: criteria provided, single submitter. Criteria: Invitae Variant Classification Sherloc (09022015). Collection method: clinical testing. Allele origin: germline.
Comment: This sequence change replaces serine, which is neutral and polar, with asparagine, which is neutral and polar, at codon 571 of the PALLD protein (p.Ser571Asn). This variant also falls at the last nucleotide of exon 10, which is part of the consensus splice site for this exon. This variant is not present in population databases (gnomAD no frequency). This variant has not been reported in the literature in individuals affected with PALLD-related conditions. An algorithm developed to predict the effect of missense changes on protein structure and function (PolyPhen-2) suggests that this variant is likely to be disruptive. Variants that disrupt the consensus splice site are a relatively common cause of aberrant splicing (PMID: 17576681, 9536098). Algorithms developed to predict the effect of sequence changes on RNA splicing suggest that this variant may disrupt the consensus splice site. In summary, the available evidence is currently insufficient to determine the role of this variant in disease. Therefore, it has been classified as a Variant of Uncertain Significance.

Literature cited by the submitters: PubMed 17576681; PubMed 9536098.

NM_001166108.2(PALLD):c.3224G>A (p.Ser1075Asn)

Genes: CBR4 (carbonyl reductase 4; minus strand), PALLD (palladin, cytoskeletal associated protein; plus strand). Cytogenetic location: 4q32.3.
Variant type: single nucleotide variant.
Coding change: c.3224G>A on transcript NM_001166108.2 (MANE Select); coding-DNA position 3224, G replaced by A.
Protein change: p.Ser1075Asn; replaces serine 1075 with asparagine.
Molecular consequence: missense variant.
Genome position (GRCh38, 1-based): chr4:168,924,420, G>A. VCF-style: chr4-168924420-G-A. GRCh37 (hg19) VCF-style: chr4-169845571-G-A.
Other names: c.2027G>A, p.Ser676Asn (NM_001166109.2); c.1712G>A, p.Ser571Asn (NM_001166110.2); c.1052G>A, p.Ser351Asn (NM_001367567.1, NM_001367569.1); c.1103G>A, p.Ser368Asn (NM_001367568.1, NM_001367570.1); c.3173G>A, p.Ser1058Asn (NM_016081.4); short protein forms S571N, S676N, S351N, S1058N, S1075N, S368N.
Identifiers: ClinVar variation 3659185 (VCV003659185.2).